The following is an entry in ClinVar:

ClinVar aggregate classification (germline): Pathogenic. Review status: criteria provided, multiple submitters, no conflicts (2 of 4 stars). 4 submissions from 4 submitters: Pathogenic (3). 1 of the submissions does not count toward it. Last evaluated 2024-05-27.

Conditions:
Charcot-Marie-Tooth disease, type I (CMT1). Also called: Charcot-Marie-Tooth disease type 1; Charcot-Marie-Tooth, Type 1. Identifiers: Orphanet 65753, MedGen C0751036, MONDO:0019011.
MPZ-related disorder. Also called: MPZ-related condition; MPZ-related disorders.
Inborn genetic diseases. Identifiers: MedGen C0950123, MeSH D030342.
Charcot-Marie-Tooth disease. Also called: Charcot-Marie-Tooth Hereditary Neuropathy; Charcot-Marie-Tooth Neuropathy. Identifiers: Orphanet 166, MedGen C0007959, MONDO:0015626.

Allele frequency attached by ClinVar (database versions not stated): gnomAD exomes 0.00001.
gnomAD v4.1: 9 of 1,614,000 alleles (0.00056%); highest among the groups gnomAD compares: Non-Finnish European, 0.00076%; no homozygotes.

Submissions (4):

Blueprint Genetics
Classification: Pathogenic for MPZ-related disorders. Last evaluated: 2024-05-27. Review status: criteria provided, single submitter. Criteria: ACMG Guidelines, 2015. Collection method: clinical testing. Allele origin: germline. Affected: yes. Observed: 2 variant alleles.

Ambry Genetics
Classification: Pathogenic for Inborn genetic diseases. Last evaluated: 2019-12-26. Review status: criteria provided, single submitter. Criteria: Ambry Variant Classification Scheme 2023. Collection method: clinical testing. Allele origin: germline.
Comment: The p.W101* pathogenic mutation (also known as c.302G>A), located in coding exon 3 of the MPZ gene, results from a G to A substitution at nucleotide position 302. This changes the amino acid from a tryptophan to a stop codon within coding exon 3. This alteration is expected to result in loss of function by premature protein truncation or nonsense-mediated mRNA decay. As such, this alteration is interpreted as a disease-causing mutation.

Labcorp Genetics (formerly Invitae), Labcorp
Classification: Pathogenic for Charcot-Marie-Tooth disease, type I. Last evaluated: 2019-07-13. Review status: criteria provided, single submitter. Criteria: Invitae Variant Classification Sherloc (09022015). Collection method: clinical testing. Allele origin: germline.
Comment: For these reasons, this variant has been classified as Pathogenic. Loss-of-function variants in MPZ are known to be pathogenic (PMID: 14711881). This variant has not been reported in the literature in individuals with MPZ-related disease. This variant is not present in population databases (ExAC no frequency). This sequence change creates a premature translational stop signal (p.Trp101*) in the MPZ gene. It is expected to result in an absent or disrupted protein product.

Inherited Neuropathy Consortium
Classification: Uncertain significance for Charcot-Marie-Tooth disease. Review status: no assertion criteria provided. Collection method: literature only. Allele origin: germline. Affected: yes. Not counted in ClinVar's aggregate classification.

Literature cited by the submitters: PubMed 14711881 (cited by Labcorp Genetics (formerly Invitae), Labcorp); PubMed 17297707 (cited by Inherited Neuropathy Consortium).

NM_000530.8(MPZ):c.302G>A (p.Trp101Ter)

Gene: MPZ (myelin protein zero; minus strand). Cytogenetic location: 1q23.3.
Variant type: single nucleotide variant.
Coding change: c.302G>A on transcript NM_000530.8 (MANE Select); coding-DNA position 302, G replaced by A.
Protein change: p.Trp101Ter; replaces tryptophan 101 with a stop codon.
Molecular consequence: nonsense.
Genome position (GRCh38, 1-based): chr1:161,306,854, C>T on the plus strand (G>A on the coding strand, the complement: MPZ is on the minus strand). VCF-style: chr1-161306854-C-T. GRCh37 (hg19) VCF-style: chr1-161276644-C-T.
Other names: c.302G>A, p.Trp101Ter (NM_001315491.2); c.302G>A (LRG_256t1); short protein forms W101*.
Identifiers: ClinVar variation 570159 (VCV000570159.13), dbSNP rs1017715903, ClinGen allele CA31668832.
Genomic context (GRCh38, chr1:161,306,854, plus strand): 5'-TCACTGTAGTCTAGGTTGTGTATGACAATGGAGCCATCCTTCCAGCGAGGGTCCCCTACC[C>T]ACTGGATGCGCTCTTTGAAGGTCCCCACCTCGTCAATGTAGGGTTGTCCCTTGGCATAGT-3'